The following is an entry in ClinVar:

NM_080680.3(COL11A2):c.1912A>G (p.Ser638Gly)

Gene: COL11A2 (collagen type XI alpha 2 chain; minus strand). Cytogenetic location: 6p21.32.
Variant type: single nucleotide variant.
Coding change: c.1912A>G on transcript NM_080680.3 (MANE Select); coding-DNA position 1912, A replaced by G.
Protein change: p.Ser638Gly; replaces serine 638 with glycine.
Molecular consequence: missense variant.
Genome position (GRCh38, 1-based): chr6:33,177,667, T>C on the plus strand (A>G on the coding strand, the complement: COL11A2 is on the minus strand). VCF-style: chr6-33177667-T-C. GRCh37 (hg19) VCF-style: chr6-33145444-T-C.
Other names: c.1591A>G, p.Ser531Gly (NM_080679.3); c.1654A>G, p.Ser552Gly (NM_080681.3); short protein forms S552G, S531G, S638G.
Identifiers: ClinVar variation 2008139 (VCV002008139.4), dbSNP rs2535158198, ClinGen allele CA363655257.

ClinVar aggregate classification (germline): Uncertain significance (1 of 4 stars; one submission).

Submission:

Labcorp Genetics (formerly Invitae), Labcorp
Classification: Uncertain significance. Last evaluated: 2022-11-11. Review status: criteria provided, single submitter. Criteria: Invitae Variant Classification Sherloc (09022015). Collection method: clinical testing. Allele origin: germline.
Comment: This sequence change replaces serine, which is neutral and polar, with glycine, which is neutral and non-polar, at codon 638 of the COL11A2 protein (p.Ser638Gly). This variant is not present in population databases (gnomAD no frequency). This variant has not been reported in the literature in individuals affected with COL11A2-related conditions. Advanced modeling of protein sequence and biophysical properties (such as structural, functional, and spatial information, amino acid conservation, physicochemical variation, residue mobility, and thermodynamic stability) performed at Invitae indicates that this missense variant is not expected to disrupt COL11A2 protein function. In summary, the available evidence is currently insufficient to determine the role of this variant in disease. Therefore, it has been classified as a Variant of Uncertain Significance.